The following is an entry in ClinVar:

ClinVar aggregate classification (germline): Likely benign (1 of 4 stars; one submission).

gnomAD v4.1: 8,330 of 1,613,962 alleles (0.52%); highest among the groups gnomAD compares: South Asian, 0.61%; 31 homozygotes.

Submission:

CeGaT Center for Human Genetics Tuebingen
Classification: Likely benign. Last evaluated: 2025-08-01. Review status: criteria provided, single submitter. Criteria: CeGaT Center For Human Genetics Tuebingen Variant Classification Criteria Version 2. Collection method: clinical testing. Allele origin: germline. Affected: yes. Observed: 1 variant allele.
Comment: XRN2: BS2

NM_012255.5(XRN2):c.1640G>C (p.Cys547Ser)

Gene: XRN2 (5'-3' exoribonuclease 2; plus strand). Cytogenetic location: 20p11.22.
Variant type: single nucleotide variant.
Coding change: c.1640G>C on transcript NM_012255.5 (MANE Select); coding-DNA position 1640, G replaced by C.
Protein change: p.Cys547Ser; replaces cysteine 547 with serine.
Molecular consequence: missense variant.
Genome position (GRCh38, 1-based): chr20:21,346,525, G>C. VCF-style: chr20-21346525-G-C. GRCh37 (hg19) VCF-style: chr20-21327163-G-C.
Other names: c.1874G>C, p.Cys625Ser (NM_001317960.1); short protein forms C547S, C625S.
Identifiers: ClinVar variation 4083662 (VCV004083662.8).
Genomic context (GRCh38, chr20:21,346,525, plus strand): 5'-TGGATGCAGCTGATGAGAAATTCCGTCGGAAAGTTGTGCAGTCGTACGTTGAAGGACTTT[G>C]CTGGGTTCTTAGATATTATTACCAGGTACAAAAAGAATATTTTCCTCTGAATTTGTAGTT-3'
Protein context (NP_036387.2, residues 537-557): KVVQSYVEGL[Cys547Ser]WVLRYYYQGC